The following is an entry in ClinVar:

ClinVar aggregate classification (germline): Conflicting classifications of pathogenicity. Review status: criteria provided, conflicting classifications (1 of 4 stars). 2 submissions from 2 submitters: Uncertain significance (1); Likely benign (1). Last evaluated 2026-08-25.

Conditions:
Hereditary cancer-predisposing syndrome. Also called: Neoplastic Syndromes, Hereditary; Hereditary Cancer Syndrome; Tumor predisposition; Hereditary neoplastic syndrome. Identifiers: Orphanet 140162, MedGen C0027672, MeSH D009386, MONDO:0015356.
Fanconi anemia complementation group J. Also called: BRIP1-Related Fanconi Anemia. Identifiers: Orphanet 84, MedGen C1836860, MONDO:0012187, OMIM 609054.
Familial cancer of breast. Also called: BREAST CANCER, FAMILIAL; hereditary breast carcinoma; Hereditary breast cancer. Identifiers: Orphanet 227535, MedGen C0346153, MONDO:0016419, OMIM 114480. Disease mechanism: loss of function.

Submissions (2):

Ambry Genetics
Classification: Likely benign for Hereditary cancer-predisposing syndrome. Last evaluated: 2026-08-25. Review status: criteria provided, single submitter. Criteria: Ambry Variant Classification Scheme 2023. Collection method: clinical testing. Allele origin: germline.

Labcorp Genetics (formerly Invitae), Labcorp
Classification: Uncertain significance for Familial cancer of breast; Fanconi anemia complementation group J. Last evaluated: 2016-07-16. Review status: criteria provided, single submitter. Criteria: Invitae Variant Classification Sherloc (09022015). Collection method: clinical testing. Allele origin: germline.
Comment: This sequence change replaces threonine with alanine at codon 918 of the BRIP1 protein (p.Thr918Ala). The threonine residue is weakly conserved and there is a small physicochemical difference between threonine and alanine. This variant is not present in population databases (ExAC no frequency) and has not been reported in the literature in individuals with a BRIP1-related disease. Algorithms developed to predict the effect of missense changes on protein structure and function output the following: (SIFT: "Tolerated"; PolyPhen-2: "Benign"; Align-GVGD: "Class C0"). The alanine amino acid residue is also found in multiple mammalian species, suggesting that this missense change does not adversely affect protein function. These predictions have not been confirmed by published functional studies. In summary, this variant is a novel missense change that is not predicted to affect protein function. There is no indication that it causes disease, but the available evidence is currently insufficient to prove that conclusively. Therefore, it has been classified as a Variant of Uncertain Significance.

NM_032043.3(BRIP1):c.2752A>G (p.Thr918Ala)

Gene: BRIP1 (BRCA1 interacting DNA helicase 1; minus strand). Cytogenetic location: 17q23.2.
Variant type: single nucleotide variant.
Coding change: c.2752A>G on transcript NM_032043.3 (MANE Select); coding-DNA position 2752, A replaced by G.
Protein change: p.Thr918Ala; replaces threonine 918 with alanine.
Molecular consequence: missense variant.
Genome position (GRCh38, 1-based): chr17:61,685,989, T>C on the plus strand (A>G on the coding strand, the complement: BRIP1 is on the minus strand). VCF-style: chr17-61685989-T-C. GRCh37 (hg19) VCF-style: chr17-59763350-T-C.
Other names: short protein forms T918A.
Identifiers: ClinVar variation 407834 (VCV000407834.10), dbSNP rs1060501759, ClinGen allele CA16615777.